The following is an entry in ClinVar:

ClinVar aggregate classification (germline): Likely pathogenic (1 of 4 stars; one submission).

Conditions:
Familial type 3 hyperlipoproteinemia. Also called: Hyperlipoproteinemia type 3; Hyperlipoproteinemia type III; Dysbetalipoproteinemia; Familial dysbetalipoproteinemia; Broad beta disease; Remnant removal disease. Identifiers: Orphanet 412, MedGen C0020479, MONDO:0018473, OMIM 617347.

Submission:

3billion
Classification: Likely pathogenic for Familial type 3 hyperlipoproteinemia. Last evaluated: 2024-07-28. Review status: criteria provided, single submitter. Criteria: ACMG Guidelines, 2015. Collection method: clinical testing. Allele origin: germline. Affected: yes.
Comment: The variant is observed at an extremely low frequency in the gnomAD v4.0.0 dataset (total allele frequency: <0.001%). Predicted Consequence/Location: Missense variant In silico tool predictions suggest damaging effect of the variant on gene or gene product [3Cnet: 0.72 (>=0.6, sensitivity 0.72 and precision 0.9)]. The same nucleotide change resulting in the same amino acid change has been previously reported to be associated with APOE-related disorder (PMID: 7706948). Different missense changes at the same codon (p.Arg154Cys, p.Arg154Leu, p.Arg154Ser) have been reported as pathogenic/likely pathogenic with strong evidence (ClinVar ID: VCV000017850, VCV000375636 /PMID: 27353043, 3243553, 7907341 /3billion dataset). Therefore, this variant is classified as Likely pathogenic according to the recommendation of ACMG/AMP guideline.

Literature cited by the submitters: PubMed 7706948; PubMed 27353043.

NM_000041.4(APOE):c.461G>A (p.Arg154His)

Gene: APOE (apolipoprotein E; plus strand). Cytogenetic location: 19q13.32.
Variant type: single nucleotide variant.
Coding change: c.461G>A on transcript NM_000041.4 (MANE Select); coding-DNA position 461, G replaced by A.
Protein change: p.Arg154His; replaces arginine 154 with histidine.
Molecular consequence: missense variant.
Genome position (GRCh38, 1-based): chr19:44,908,757, G>A. VCF-style: chr19-44908757-G-A. GRCh37 (hg19) VCF-style: chr19-45412014-G-A.
Other names: c.539G>A, p.Arg180His (NM_001302688.2); c.461G>A, p.Arg154His (NM_001302689.2, NM_001302690.2, NM_001302691.2); short protein forms R154H, R180H.
Identifiers: ClinVar variation 4293233 (VCV004293233.1).
Genomic context (GRCh38, chr19:44,908,757, plus strand): 5'-TGCAGTACCGCGGCGAGGTGCAGGCCATGCTCGGCCAGAGCACCGAGGAGCTGCGGGTGC[G>A]CCTCGCCTCCCACCTGCGCAAGCTGCGTAAGCGGCTCCTCCGCGATGCCGATGACCTGCA-3'
Protein context (NP_000032.1, residues 144-164): LGQSTEELRV[Arg154His]LASHLRKLRK